The following is an entry in ClinVar:

ClinVar aggregate classification (germline): Uncertain significance (1 of 4 stars; one submission).

gnomAD v4.1: 1 of 1,611,462 alleles (0.000062%); highest among the groups gnomAD compares: Non-Finnish European, 0.000085%; no homozygotes.

Submission:

Labcorp Genetics (formerly Invitae), Labcorp
Classification: Uncertain significance. Last evaluated: 2024-04-02. Review status: criteria provided, single submitter. Criteria: Invitae Variant Classification Sherloc (09022015). Collection method: clinical testing. Allele origin: germline.
Comment: This sequence change falls in intron 16 of the CLTC gene. It does not directly change the encoded amino acid sequence of the CLTC protein. It affects a nucleotide within the consensus splice site. This variant is not present in population databases (gnomAD no frequency). This variant has not been reported in the literature in individuals affected with CLTC-related conditions. Variants that disrupt the consensus splice site are a relatively common cause of aberrant splicing (PMID: 17576681, 9536098). Algorithms developed to predict the effect of sequence changes on RNA splicing suggest that this variant is not likely to affect RNA splicing. In summary, the available evidence is currently insufficient to determine the role of this variant in disease. Therefore, it has been classified as a Variant of Uncertain Significance.

Literature cited by the submitters: PubMed 17576681; PubMed 9536098.

NM_004859.4(CLTC):c.2561+3G>A

Gene: CLTC (clathrin heavy chain; plus strand). Cytogenetic location: 17q23.1.
Variant type: single nucleotide variant.
Coding change: c.2561+3G>A on transcript NM_004859.4 (MANE Select); 3 bases into the intron after coding-DNA position 2561, G replaced by A.
Molecular consequence: intron variant.
Genome position (GRCh38, 1-based): chr17:59,674,846, G>A. VCF-style: chr17-59674846-G-A. GRCh37 (hg19) VCF-style: chr17-57752207-G-A.
Other names: c.2573+3G>A (NM_001288653.2).
Identifiers: ClinVar variation 3678451 (VCV003678451.2).
Genomic context (GRCh38, chr17:59,674,846, plus strand): 5'-TTGTAAGAGGTCAATTCTCTACTGATGAGCTTGTTGCTGAGGTTGAAAAAAGAAACAGGT[G>A]TAGTACCATTTTAACAGGGATAAGTTACTCTTTCTTAACATGGCAATAGATAAAAATATA-3'